The following is an entry in ClinVar:

NM_014889.4(PITRM1):c.2196C>T (p.Pro732=)

Genes: PITRM1 (pitrilysin metallopeptidase 1; minus strand), PITRM1-AS1 (PITRM1 antisense RNA 1; plus strand). Cytogenetic location: 10p15.2.
Variant type: single nucleotide variant.
Coding change: c.2196C>T on transcript NM_014889.4 (MANE Select); coding-DNA position 2196, C replaced by T.
Protein change: p.Pro732=; no amino-acid change (proline 732 retained).
Molecular consequence: synonymous variant. On other transcripts: non-coding transcript variant (5).
Genome position (GRCh38, 1-based): chr10:3,147,611, G>A on the plus strand (C>T on the coding strand, the complement: PITRM1 is on the minus strand). VCF-style: chr10-3147611-G-A. GRCh37 (hg19) VCF-style: chr10-3189803-G-A.
Other names: c.2199C>T, p.Pro733= (NM_001242307.2); c.1998C>T, p.Pro666= (NM_001347725.2); c.1383C>T, p.Pro461= (NM_001347726.2); c.1581C>T, p.Pro527= (NM_001347727.2); c.891C>T, p.Pro297= (NM_001347728.2); c.2172C>T, p.Pro724= (NM_001347729.1); c.1974C>T, p.Pro658= (NM_001347730.1); c.1902C>T, p.Pro634= (NM_001242309.1).
Identifiers: ClinVar variation 730588 (VCV000730588.23), dbSNP rs568221543, ClinGen allele CA5387504.

ClinVar aggregate classification (germline): Benign/Likely benign. Review status: criteria provided, multiple submitters, no conflicts (2 of 4 stars). 3 submissions from 3 submitters: Benign (1); Likely benign (2). Last evaluated 2026-02-01.

Allele frequency attached by ClinVar (database versions not stated): TOPMed 0.00002; gnomAD 0.00004 and 0.00011; gnomAD exomes 0.00019 and 0.00037; ExAC 0.00045; 1000 Genomes Project 30x 0.00078; 1000 Genomes Project 0.00080.

Submissions (3):

CeGaT Center for Human Genetics Tuebingen
Classification: Likely benign. Last evaluated: 2026-02-01. Review status: criteria provided, single submitter. Criteria: CeGaT Center For Human Genetics Tuebingen Variant Classification Criteria Version 2. Collection method: clinical testing. Allele origin: germline. Affected: yes. Observed: 2 variant alleles.
Comment: PITRM1: BP4, BP7

Labcorp Genetics (formerly Invitae), Labcorp
Classification: Benign. Last evaluated: 2025-04-11. Review status: criteria provided, single submitter. Criteria: Invitae Variant Classification Sherloc (09022015). Collection method: clinical testing. Allele origin: germline.

Blueprint Genetics
Classification: Likely benign. Last evaluated: 2024-10-16. Review status: criteria provided, single submitter. Criteria: ACMG Guidelines, 2015. Collection method: clinical testing. Allele origin: germline.